The following is an entry in ClinVar:

ClinVar aggregate classification (germline): Uncertain significance. Review status: criteria provided, multiple submitters, no conflicts (2 of 4 stars). 3 submissions from 3 submitters: Uncertain significance (3). Last evaluated 2025-02-27.

Conditions:
Intellectual developmental disorder, X-linked, syndromic, Turner type. Also called: X-linked intellectual disability, Turner type; Intellectual disability, X-linked syndromic, Turner type. Identifiers: Orphanet 3056, Orphanet 85328, MedGen C2678046, MONDO:0010407, OMIM 309590.

Submissions (3):

Dasa
Classification: Uncertain significance for Intellectual developmental disorder, X-linked, syndromic, Turner type. Last evaluated: 2025-02-27. Review status: criteria provided, single submitter. Criteria: DASA Assertion Criteria. Collection method: clinical testing. Allele origin: germline.
Comment: NM_031407.7(HUWE1):c.9527G>A (p.Arg3176Gln) is a missense variant that results in the substitution of arginine with glutamine. This variant is absent from population databases. Computational prediction algorithms are consistent with a benign effect. The currently available literature and clinical evidence are not sufficient to establish a definitive association between this variant and the reported condition. Therefore, this variant is classified as a variant of uncertain significance.

Labcorp Genetics (formerly Invitae), Labcorp
Classification: Uncertain significance. Last evaluated: 2024-02-06. Review status: criteria provided, single submitter. Criteria: Invitae Variant Classification Sherloc (09022015). Collection method: clinical testing. Allele origin: germline.
Comment: This sequence change replaces arginine, which is basic and polar, with glutamine, which is neutral and polar, at codon 3176 of the HUWE1 protein (p.Arg3176Gln). This variant is not present in population databases (gnomAD no frequency). This variant has not been reported in the literature in individuals affected with HUWE1-related conditions. ClinVar contains an entry for this variant (Variation ID: 1707237). Advanced modeling of protein sequence and biophysical properties (such as structural, functional, and spatial information, amino acid conservation, physicochemical variation, residue mobility, and thermodynamic stability) has been performed at Invitae for this missense variant, however the output from this modeling did not meet the statistical confidence thresholds required to predict the impact of this variant on HUWE1 protein function. In summary, the available evidence is currently insufficient to determine the role of this variant in disease. Therefore, it has been classified as a Variant of Uncertain Significance.

GeneDx
Classification: Uncertain significance. Last evaluated: 2022-03-08. Review status: criteria provided, single submitter. Criteria: GeneDx Variant Classification Process June 2021. Collection method: clinical testing. Allele origin: germline. Affected: yes.
Comment: Not observed at significant frequency in large population cohorts (gnomAD); In silico analysis supports that this missense variant does not alter protein structure/function; Has not been previously published as pathogenic or benign to our knowledge

NM_031407.7(HUWE1):c.9527G>A (p.Arg3176Gln)

Gene: HUWE1 (HECT, UBA and WWE domain containing E3 ubiquitin protein ligase 1; minus strand). Cytogenetic location: Xp11.22.
Variant type: single nucleotide variant.
Coding change: c.9527G>A on transcript NM_031407.7 (MANE Select); coding-DNA position 9527, G replaced by A.
Protein change: p.Arg3176Gln; replaces arginine 3176 with glutamine.
Molecular consequence: missense variant.
Genome position (GRCh38, 1-based): chrX:53,549,467, C>T on the plus strand (G>A on the coding strand, the complement: HUWE1 is on the minus strand). VCF-style: chrX-53549467-C-T. GRCh37 (hg19) VCF-style: chrX-53576428-C-T.
Other names: short protein forms R3176Q.
Identifiers: ClinVar variation 1707237 (VCV001707237.6), dbSNP rs2523232424, ClinGen allele CA413138186.